The following is an entry in ClinVar:

NM_021922.3(FANCE):c.91C>T (p.Gln31Ter)

Genes: FANCE (FA complementation group E; plus strand), LOC129996245 (ATAC-STARR-seq lymphoblastoid silent region 17092; plus strand). Cytogenetic location: 6p21.31.
Variant type: single nucleotide variant.
Coding change: c.91C>T on transcript NM_021922.3 (MANE Select); coding-DNA position 91, C replaced by T.
Protein change: p.Gln31Ter; replaces glutamine 31 with a stop codon.
Molecular consequence: nonsense.
Genome position (GRCh38, 1-based): chr6:35,452,636, C>T. VCF-style: chr6-35452636-C-T. GRCh37 (hg19) VCF-style: chr6-35420413-C-T.
Other names: short protein forms Q31*.
Identifiers: ClinVar variation 929569 (VCV000929569.4), dbSNP rs1767152512, ClinGen allele CA363770085.
Genomic context (GRCh38, chr6:35,452,636, plus strand): 5'-GCTGAGGGCGTGGAGCCGGCGCCCTGGGCGCAGCTGGAGGCCCCCGCCCGCCTCCTGCTG[C>T]AGGCGCTGCAGGCGGGGCCTGAGGGGGCGCGGCGCGGCCTGGGGGTGCTCCGGGCGCTGG-3'

ClinVar aggregate classification (germline): Pathogenic. Review status: criteria provided, single submitter (1 of 4 stars). 2 submissions from 2 submitters: Pathogenic (1). 1 of the submissions does not count toward it. Last evaluated 2023-01-20.

Conditions:
Fanconi anemia complementation group E (FANCE). Also called: FANCE-Related Fanconi Anemia. Identifiers: Orphanet 84, MedGen C3160739, MONDO:0010953, OMIM 600901.

Submissions (2):

Labcorp Genetics (formerly Invitae), Labcorp
Classification: Pathogenic for Fanconi anemia complementation group E. Last evaluated: 2023-01-20. Review status: criteria provided, single submitter. Criteria: Invitae Variant Classification Sherloc (09022015). Collection method: clinical testing. Allele origin: germline.
Comment: This sequence change creates a premature translational stop signal (p.Gln31*) in the FANCE gene. It is expected to result in an absent or disrupted protein product. Loss-of-function variants in FANCE are known to be pathogenic (PMID: 11001585, 17924555). For these reasons, this variant has been classified as Pathogenic. ClinVar contains an entry for this variant (Variation ID: 929569). This premature translational stop signal has been observed in individual(s) with clinical features of Fanconi anemia (PMID: 17924555). This variant is not present in population databases (gnomAD no frequency).

Leiden Open Variation Database
Classification: Pathogenic for Fanconi anemia complementation group E. Last evaluated: 2011-02-07. Review status: no assertion criteria provided. Collection method: curation. Allele origin: germline. Affected: yes. Not counted in ClinVar's aggregate classification.
Comment: Curator: Arleen D. Auerbach. Submitter to LOVD: Johan de Winter.

Literature cited by the submitters: PubMed 11001585 (cited by Labcorp Genetics (formerly Invitae), Labcorp); PubMed 17924555 (cited by Labcorp Genetics (formerly Invitae), Labcorp and Leiden Open Variation Database).